The following is an entry in ClinVar:

NM_000540.3(RYR1):c.11363A>G (p.Glu3788Gly)

Gene: RYR1 (ryanodine receptor 1; plus strand). Cytogenetic location: 19q13.2.
Variant type: single nucleotide variant.
Coding change: c.11363A>G on transcript NM_000540.3 (MANE Select); coding-DNA position 11363, A replaced by G.
Protein change: p.Glu3788Gly; replaces glutamic acid 3788 with glycine.
Molecular consequence: missense variant.
Genome position (GRCh38, 1-based): chr19:38,535,144, A>G. VCF-style: chr19-38535144-A-G. GRCh37 (hg19) VCF-style: chr19-39025784-A-G.
Other names: c.11348A>G, p.Glu3783Gly (NM_001042723.2); short protein forms E3783G, E3788G.
Identifiers: ClinVar variation 2060468 (VCV002060468.7), dbSNP rs1268466889, ClinGen allele CA405655051.
Genomic context (GRCh38, chr19:38,535,144, plus strand): 5'-GTGGAACACACTGCCTTCCAACTGGGTGGACCATCTTTTTTCTCCCACTCCCTCCAGGAG[A>G]GACAGGTGCCATGGTGTCCTCCACCCTGAAGCTGGGCATCTCCATCCTCAATGGAGGCAA-3'
Protein context (NP_000531.2, residues 3778-3798): VLQMISACKG[Glu3788Gly]TGAMVSSTLK

ClinVar aggregate classification (germline): Uncertain significance. Review status: criteria provided, multiple submitters, no conflicts (2 of 4 stars). 4 submissions from 4 submitters: Uncertain significance (4). Last evaluated 2025-09-07.

Conditions:
Inborn genetic diseases. Identifiers: MedGen C0950123, MeSH D030342.
Malignant hyperthermia, susceptibility to, 1 (MHS1). Also called: Anesthesia related hyperthermia; Malignant hyperpyrexia; Fulminating hyperpyrexia; Pharmacogenic myopathy; RYR1-Related Malignant Hyperthermia Susceptibility; Malignant hyperthermia suceptibility 1. Identifiers: Orphanet 423, MedGen C2930980, MONDO:0007783, OMIM 145600.
RYR1-related disorder. Also called: RYR1-related condition; RYR1-related disorders. Identifiers: MedGen CN239331.

Allele frequency attached by ClinVar (database versions not stated): gnomAD exomes below 0.00001; TOPMed 0.00001.
gnomAD v4.1: 1 of 1,613,590 alleles (0.000062%); highest among the groups gnomAD compares: Admixed American, 0.0017%; no homozygotes.

Submissions (4):

Labcorp Genetics (formerly Invitae), Labcorp
Classification: Uncertain significance for RYR1-related disorder. Last evaluated: 2025-09-07. Review status: criteria provided, single submitter. Criteria: Invitae Variant Classification Sherloc (09022015). Collection method: clinical testing. Allele origin: germline.
Comment: This sequence change replaces glutamic acid, which is acidic and polar, with glycine, which is neutral and non-polar, at codon 3788 of the RYR1 protein (p.Glu3788Gly). This variant is not present in population databases (gnomAD no frequency). This variant has not been reported in the literature in individuals affected with RYR1-related conditions. ClinVar contains an entry for this variant (Variation ID: 2060468). Invitae Evidence Modeling of protein sequence and biophysical properties (such as structural, functional, and spatial information, amino acid conservation, physicochemical variation, residue mobility, and thermodynamic stability) indicates that this missense variant is not expected to disrupt RYR1 protein function with a negative predictive value of 80%. In summary, the available evidence is currently insufficient to determine the role of this variant in disease. Therefore, it has been classified as a Variant of Uncertain Significance.

Ambry Genetics
Classification: Uncertain significance for Inborn genetic diseases. Last evaluated: 2025-09-04. Review status: criteria provided, single submitter. Criteria: Ambry Variant Classification Scheme 2023. Collection method: clinical testing. Allele origin: germline.

GeneDx
Classification: Uncertain significance. Last evaluated: 2025-03-15. Review status: criteria provided, single submitter. Criteria: GeneDx Variant Classification Process June 2021. Collection method: clinical testing. Allele origin: germline. Affected: yes.
Comment: Not observed at significant frequency in large population cohorts (gnomAD); In silico analysis supports that this missense variant has a deleterious effect on protein structure/function; Has not been previously published as pathogenic or benign to our knowledge

All of Us Research Program, National Institutes of Health
Classification: Uncertain significance for Malignant hyperthermia, susceptibility to, 1. Last evaluated: 2023-12-13. Review status: criteria provided, single submitter. Criteria: ACMG Guidelines, 2015. Collection method: clinical testing. Allele origin: germline. Inheritance: Autosomal dominant inheritance. Observed: 1 variant allele, 1 heterozygote.
Comment: This missense variant replaces glutamic acid with glycine at codon 3788 of the RYR1 protein. Computational prediction is inconclusive regarding the impact of this variant on protein structure and function (internally defined REVEL score threshold 0.5 < inconclusive < 0.7, PMID: 27666373). To our knowledge, functional studies have not been reported for this variant. This variant has not been reported in individuals affected with RYR1-related disorders in the literature. This variant has not been identified in the general population by the Genome Aggregation Database (gnomAD). The available evidence is insufficient to determine the role of this variant in disease conclusively. Therefore, this variant is classified as a Variant of Uncertain Significance.

This study involves interpretation of variants in research participants for the purpose of population health screening. Participant phenotype was not available at the time of variant classification. Additional details can be found in publication PMID: 35346344, PMCID: PMC8962531